The following is an entry in ClinVar:

NM_032242.4(PLXNA1):c.1631G>A (p.Arg544Gln)

Gene: PLXNA1 (plexin A1; plus strand). Cytogenetic location: 3q21.3.
Variant type: single nucleotide variant.
Coding change: c.1631G>A on transcript NM_032242.4 (MANE Select); coding-DNA position 1631, G replaced by A.
Protein change: p.Arg544Gln; replaces arginine 544 with glutamine.
Molecular consequence: missense variant.
Genome position (GRCh38, 1-based): chr3:127,004,896, G>A. VCF-style: chr3-127004896-G-A. GRCh37 (hg19) VCF-style: chr3-126723739-G-A.
Other names: short protein forms R544Q.
Identifiers: ClinVar variation 3934759 (VCV003934759.2).

ClinVar aggregate classification (germline): Conflicting classifications of pathogenicity. Review status: criteria provided, conflicting classifications (1 of 4 stars). 2 submissions from 2 submitters: Uncertain significance (1); Likely benign (1). Last evaluated 2026-09-23.

Conditions:
PLXNA1-related disorder. Also called: PLXNA1-related condition.

gnomAD v4.1: 6 of 1,599,072 alleles (0.00038%); highest among the groups gnomAD compares: East Asian, 0.0022%; no homozygotes.

Submissions (2):

PreventionGenetics, part of Exact Sciences
Classification: Uncertain significance for PLXNA1-related condition. Last evaluated: 2026-09-23. Review status: criteria provided, single submitter. Criteria: ACMG Guidelines, 2015. Collection method: clinical testing. Allele origin: germline.
Comment: The PLXNA1 c.1631G>A variant is predicted to result in the amino acid substitution p.Arg544Gln. To our knowledge, this variant has not been reported in the literature. This variant is reported in 0.00095% of alleles in individuals of European (Non-Finnish) descent in gnomAD. At this time, the clinical significance of this variant is uncertain due to the absence of conclusive functional and genetic evidence.

Ambry Genetics
Classification: Likely benign. Last evaluated: 2025-03-15. Review status: criteria provided, single submitter. Criteria: Ambry Variant Classification Scheme 2023. Collection method: clinical testing. Allele origin: germline.